The following is an entry in ClinVar:

NM_002734.5(PRKAR1A):c.293G>T (p.Gly98Val)

Gene: PRKAR1A (protein kinase cAMP-dependent type I regulatory subunit alpha; plus strand). Cytogenetic location: 17q24.2.
Variant type: single nucleotide variant.
Coding change: c.293G>T on transcript NM_002734.5 (MANE Select); coding-DNA position 293, G replaced by T.
Protein change: p.Gly98Val; replaces glycine 98 with valine.
Molecular consequence: missense variant.
Genome position (GRCh38, 1-based): chr17:68,522,871, G>T. VCF-style: chr17-68522871-G-T. GRCh37 (hg19) VCF-style: chr17-66519012-G-T.
Other names: c.293G>T, p.Gly98Val (NM_001276289.2, NM_001276290.1, NM_001278433.2 and 4 more transcripts); short protein forms G98V.
Identifiers: ClinVar variation 4762568 (VCV004762568.1).

ClinVar aggregate classification (germline): Uncertain significance (1 of 4 stars; one submission).

Conditions:
Carney complex, type 1 (CNC1). Also called: CARNEY MYXOMA-ENDOCRINE COMPLEX; CARNEY COMPLEX, TYPE I. Identifiers: Orphanet 1359, MedGen C2607929, MONDO:0008057, OMIM 160980.

Submission:

Labcorp Genetics (formerly Invitae), Labcorp
Classification: Uncertain significance for Carney complex, type 1. Last evaluated: 2025-03-16. Review status: criteria provided, single submitter. Criteria: Invitae Variant Classification Sherloc (09022015). Collection method: clinical testing. Allele origin: germline.
Comment: This sequence change replaces glycine, which is neutral and non-polar, with valine, which is neutral and non-polar, at codon 98 of the PRKAR1A protein (p.Gly98Val). This variant is not present in population databases (gnomAD no frequency). This variant has not been reported in the literature in individuals affected with PRKAR1A-related conditions. Invitae Evidence Modeling of protein sequence and biophysical properties (such as structural, functional, and spatial information, amino acid conservation, physicochemical variation, residue mobility, and thermodynamic stability) indicates that this missense variant is not expected to disrupt PRKAR1A protein function with a negative predictive value of 95%. In summary, the available evidence is currently insufficient to determine the role of this variant in disease. Therefore, it has been classified as a Variant of Uncertain Significance.